The following is an entry in ClinVar:

ClinVar aggregate classification (germline): Uncertain significance (1 of 4 stars; one submission).

Conditions:
Cardiovascular phenotype. Identifiers: MedGen CN230736.

Submission:

Ambry Genetics
Classification: Uncertain significance for Cardiovascular phenotype. Last evaluated: 2025-10-05. Review status: criteria provided, single submitter. Criteria: Ambry Variant Classification Scheme 2023. Collection method: clinical testing. Allele origin: germline.
Comment: The p.D662E variant (also known as c.1986C>G), located in coding exon 14 of the TRPM4 gene, results from a C to G substitution at nucleotide position 1986. The aspartic acid at codon 662 is replaced by glutamic acid, an amino acid with highly similar properties. This amino acid position is conserved. In addition, this alteration is predicted to be tolerated by in silico analysis. Based on the available evidence, the clinical significance of this variant remains unclear.

NM_017636.4(TRPM4):c.1986C>G (p.Asp662Glu)

Gene: TRPM4 (transient receptor potential cation channel subfamily M member 4; plus strand). Cytogenetic location: 19q13.33.
Variant type: single nucleotide variant.
Coding change: c.1986C>G on transcript NM_017636.4 (MANE Select); coding-DNA position 1986, C replaced by G.
Protein change: p.Asp662Glu; replaces aspartic acid 662 with glutamic acid.
Molecular consequence: missense variant.
Genome position (GRCh38, 1-based): chr19:49,189,058, C>G. VCF-style: chr19-49189058-C-G. GRCh37 (hg19) VCF-style: chr19-49692315-C-G.
Other names: c.1986C>G, p.Asp662Glu (NM_001195227.2); c.1641C>G, p.Asp547Glu (NM_001321281.2); c.378C>G, p.Asp126Glu (NM_001321282.2); c.1464C>G, p.Asp488Glu (NM_001321283.2); c.924C>G, p.Asp308Glu (NM_001321285.2); short protein forms D488E, D547E, D308E, D662E, D126E.
Identifiers: ClinVar variation 4615257 (VCV004615257.1).